The following is an entry in ClinVar:

ClinVar aggregate classification (germline): Uncertain significance. Review status: criteria provided, single submitter (1 of 4 stars). 2 submissions from 2 submitters: Uncertain significance (1). 1 of the submissions does not count toward it. Last evaluated 2023-05-15.

Conditions:
Autoimmune lymphoproliferative syndrome type 1. Also called: AUTOIMMUNE LYMPHOPROLIFERATIVE SYNDROME, TYPE I, AUTOSOMAL DOMINANT. Identifiers: Orphanet 3261, MedGen C2717884, MONDO:0011158, OMIM 601859.
FAS-related autoimmune lymphoproliferative syndrome. Also called: AUTOIMMUNE LYMPHOPROLIFERATIVE SYNDROME, TYPE IA, AUTOSOMAL RECESSIVE; AUTOIMMUNE LYMPHOPROLIFERATIVE SYNDROME, TYPE IA. Identifiers: MedGen C1866119, MONDO:1060194.

Submissions (2):

Labcorp Genetics (formerly Invitae), Labcorp
Classification: Uncertain significance for Autoimmune lymphoproliferative syndrome. Last evaluated: 2023-05-15. Review status: criteria provided, single submitter. Criteria: Invitae Variant Classification Sherloc (09022015). Collection method: clinical testing. Allele origin: germline.
Comment: This variant is not present in population databases (gnomAD no frequency). This sequence change replaces threonine, which is neutral and polar, with isoleucine, which is neutral and non-polar, at codon 270 of the FAS protein (p.Thr270Ile). ClinVar contains an entry for this variant (Variation ID: 16506). This variant is also known as T254I. This missense change has been observed in individual(s) with autoimmune lymphoproliferative syndrome and/or clincal features of autoimmune lymphoproliferative syndrome (PMID: 9927496; Invitae). In summary, the available evidence is currently insufficient to determine the role of this variant in disease. Therefore, it has been classified as a Variant of Uncertain Significance. This variant disrupts the p.Thr270 amino acid residue in FAS. Other variant(s) that disrupt this residue have been determined to be pathogenic (PMID: 10515860, 20935634). This suggests that this residue is clinically significant, and that variants that disrupt this residue are likely to be disease-causing. An algorithm developed to predict the effect of missense changes on protein structure and function (PolyPhen-2) suggests that this variant is likely to be disruptive.

OMIM
Classification: Pathogenic for AUTOIMMUNE LYMPHOPROLIFERATIVE SYNDROME, TYPE IA. Last evaluated: 1999-02-01. Review status: no assertion criteria provided. Collection method: literature only. Allele origin: germline. Not counted in ClinVar's aggregate classification.

Literature cited by the submitters: PubMed 9927496 (cited by Labcorp Genetics (formerly Invitae), Labcorp and OMIM); PubMed 10515860 (cited by Labcorp Genetics (formerly Invitae), Labcorp); PubMed 20935634 (cited by Labcorp Genetics (formerly Invitae), Labcorp).

NM_000043.6(FAS):c.809C>T (p.Thr270Ile)

Gene: FAS (Fas cell surface death receptor; plus strand). Cytogenetic location: 10q23.31.
Variant type: single nucleotide variant.
Coding change: c.809C>T on transcript NM_000043.6 (MANE Select); coding-DNA position 809, C replaced by T.
Protein change: p.Thr270Ile; replaces threonine 270 with isoleucine.
Molecular consequence: missense variant. On other transcripts: 3 prime UTR variant (2), non-coding transcript variant (7).
Genome position (GRCh38, 1-based): chr10:89,014,251, C>T. VCF-style: chr10-89014251-C-T. GRCh37 (hg19) VCF-style: chr10-90774008-C-T.
Other names: T254I; c.*132C>T (NM_001320619.2); c.746C>T, p.Thr249Ile (NM_152871.4); c.*121C>T (NM_152872.4); short protein forms T249I, T270I.
Identifiers: ClinVar variation 16506 (VCV000016506.7), dbSNP rs121913081, ClinGen allele CA126586.